The following is an entry in ClinVar:

ClinVar aggregate classification (germline): Likely benign (1 of 4 stars; one submission).

gnomAD v4.1: 42 of 1,613,940 alleles (0.0026%); highest among the groups gnomAD compares: South Asian, 0.013%; no homozygotes.

Submission:

CeGaT Center for Human Genetics Tuebingen
Classification: Likely benign. Last evaluated: 2026-09-01. Review status: criteria provided, single submitter. Criteria: CeGaT Center For Human Genetics Tuebingen Variant Classification Criteria Version 2. Collection method: clinical testing. Allele origin: germline. Affected: yes. Observed: 1 variant allele.
Comment: SLC11A2: BP4, BP7

NM_000617.3(SLC11A2):c.981C>T (p.Asn327=)

Gene: SLC11A2 (solute carrier family 11 member 2; minus strand). Cytogenetic location: 12q13.12.
Variant type: single nucleotide variant.
Coding change: c.981C>T on transcript NM_000617.3 (MANE Select); coding-DNA position 981, C replaced by T.
Protein change: p.Asn327=; no amino-acid change (asparagine 327 retained).
Molecular consequence: synonymous variant. On other transcripts: non-coding transcript variant (10).
Genome position (GRCh38, 1-based): chr12:50,995,638, G>A on the plus strand (C>T on the coding strand, the complement: SLC11A2 is on the minus strand). VCF-style: chr12-50995638-G-A. GRCh37 (hg19) VCF-style: chr12-51389421-G-A.
Other names: c.1068C>T, p.Asn356= (NM_001174125.2, NM_001379446.1, NM_001379455.1); c.981C>T, p.Asn327= (NM_001174126.2, NM_001174127.2, NM_001174128.2 and 5 more transcripts); c.969C>T, p.Asn323= (NM_001174130.2, NM_001379448.1); c.870C>T, p.Asn290= (NM_001414747.1, NM_001414748.1); c.744C>T, p.Asn248= (NM_001414749.1, NM_001414750.1).
Identifiers: ClinVar variation 5041208 (VCV005041208.1).